The following is an entry in ClinVar:

NM_006087.4(TUBB4A):c.1316C>A (p.Ala439Glu)

Gene: TUBB4A (tubulin beta 4A class IVa; minus strand). Cytogenetic location: 19p13.3.
Variant type: single nucleotide variant.
Coding change: c.1316C>A on transcript NM_006087.4 (MANE Select); coding-DNA position 1316, C replaced by A.
Protein change: p.Ala439Glu; replaces alanine 439 with glutamic acid.
Molecular consequence: missense variant.
Genome position (GRCh38, 1-based): chr19:6,495,183, G>T on the plus strand (C>A on the coding strand, the complement: TUBB4A is on the minus strand). VCF-style: chr19-6495183-G-T. GRCh37 (hg19) VCF-style: chr19-6495194-G-T.
Other names: c.1469C>A, p.Ala490Glu (NM_001289123.2); c.1451C>A, p.Ala484Glu (NM_001289127.2); c.1316C>A, p.Ala439Glu (NM_001289129.2); c.1100C>A, p.Ala367Glu (NM_001289130.2, NM_001289131.2); short protein forms A439E, A490E, A367E, A484E.
Identifiers: ClinVar variation 537238 (VCV000537238.7), dbSNP rs199569370, ClinGen allele CA9127234.

ClinVar aggregate classification (germline): Uncertain significance (1 of 4 stars; one submission).

Conditions:
Leukodystrophy, hypomyelinating, 6. Also called: TUBB4A-Associated Leukodystrophy; LEUKODYSTROPHY, HYPOMYELINATING, WITH ATROPHY OF THE BASAL GANGLIA AND CEREBELLUM; Hypomyelination with Atrophy of Basal Ganglia and Cerebellum (H-ABC). Identifiers: Orphanet 139441, MedGen C2676244, MONDO:0012905, OMIM 612438.

Allele frequency attached by ClinVar (database versions not stated): 1000 Genomes Project 0.00060; 1000 Genomes Project 30x 0.00078.
gnomAD v4.1: 25 of 1,613,802 alleles (0.0015%); highest among the groups gnomAD compares: Admixed American, 0.033%; 1 homozygote.

Submission:

Labcorp Genetics (formerly Invitae), Labcorp
Classification: Uncertain significance for Leukodystrophy, hypomyelinating, 6. Last evaluated: 2025-08-30. Review status: criteria provided, single submitter. Criteria: Invitae Variant Classification Sherloc (09022015). Collection method: clinical testing. Allele origin: germline.
Comment: This sequence change replaces alanine, which is neutral and non-polar, with glutamic acid, which is acidic and polar, at codon 439 of the TUBB4A protein (p.Ala439Glu). The frequency data for this variant in the population databases is considered unreliable, as metrics indicate poor data quality at this position in the gnomAD database. This variant has not been reported in the literature in individuals affected with TUBB4A-related conditions. ClinVar contains an entry for this variant (Variation ID: 537238). Experimental studies and prediction algorithms are not available or were not evaluated, and the functional significance of this variant is currently unknown. In summary, the available evidence is currently insufficient to determine the role of this variant in disease. Therefore, it has been classified as a Variant of Uncertain Significance.